The following is an entry in ClinVar:

NM_024757.5(EHMT1):c.2359G>T (p.Asp787Tyr)

Gene: EHMT1 (euchromatic histone lysine methyltransferase 1; plus strand). Cytogenetic location: 9q34.3.
Variant type: single nucleotide variant.
Coding change: c.2359G>T on transcript NM_024757.5 (MANE Select); coding-DNA position 2359, G replaced by T.
Protein change: p.Asp787Tyr; replaces aspartic acid 787 with tyrosine.
Molecular consequence: missense variant.
Genome position (GRCh38, 1-based): chr9:137,782,374, G>T. VCF-style: chr9-137782374-G-T. GRCh37 (hg19) VCF-style: chr9-140676826-G-T.
Other names: c.2359G>T, p.Asp787Tyr (NM_001145527.2); c.2266G>T, p.Asp756Tyr (NM_001354259.2); c.2338G>T, p.Asp780Tyr (NM_001354263.2); short protein forms D756Y, D780Y, D787Y.
Identifiers: ClinVar variation 3359124 (VCV003359124.2).

ClinVar aggregate classification (germline): Uncertain significance (1 of 4 stars; one submission).

Conditions:
Kleefstra syndrome 1 (KLEFS1). Identifiers: Orphanet 261494, MedGen C0795833, MONDO:0027407, OMIM 610253.

Submission:

Institute of Human Genetics, University of Leipzig Medical Center
Classification: Uncertain significance for Kleefstra syndrome 1. Last evaluated: 2023-08-31. Review status: criteria provided, single submitter. Criteria: ACMG Guidelines, 2015. Collection method: clinical testing. Allele origin: unknown. Inheritance: Autosomal dominant inheritance. Affected: yes.
Comment: Criteria applied: PM1,PM2_SUP,PP3